The following is an entry in ClinVar:

NM_001289125.3(IFNAR2):c.1315G>A (p.Asp439Asn)

Genes: IFNAR2-IL10RB (IFNAR2-IL10RB readthrough; plus strand), IFNAR2 (interferon alpha and beta receptor subunit 2; plus strand). Cytogenetic location: 21q22.11.
Variant type: single nucleotide variant.
Coding change: c.1315G>A on transcript NM_001289125.3 (MANE Select); coding-DNA position 1315, G replaced by A.
Protein change: p.Asp439Asn; replaces aspartic acid 439 with asparagine.
Molecular consequence: missense variant. On other transcripts: 3 prime UTR variant (5).
Genome position (GRCh38, 1-based): chr21:33,263,267, G>A. VCF-style: chr21-33263267-G-A. GRCh37 (hg19) VCF-style: chr21-34635572-G-A.
Other names: c.*551G>A (NM_000874.5, NM_207584.3); c.*464G>A (NM_001289126.2, NM_001289128.2); c.*690G>A (NM_001385054.1); c.1315G>A, p.Asp439Asn (NM_001385055.1, NM_207585.3); short protein forms D439N.
Identifiers: ClinVar variation 1285080 (VCV001285080.7), dbSNP rs149040664, ClinGen allele CA10005963.
Genomic context (GRCh38, chr21:33,263,267, plus strand): 5'-GGCAGAATTACCTTCAATGTGGACTTAAACTCTGTGTTTTTGAGAGTTCTTGATGACGAG[G>A]ACAGTGACGACTTAGAAGCCCCTCTGATGCTATCGTCTCATCTGGAAGAGATGGTTGACC-3'
Protein context (NP_001276054.1, residues 429-449): SVFLRVLDDE[Asp439Asn]SDDLEAPLML

ClinVar aggregate classification (germline): Uncertain significance. Review status: criteria provided, single submitter (1 of 4 stars). 3 submissions from 3 submitters: Uncertain significance (1). 2 of the submissions do not count toward it. Last evaluated 2022-09-19.

Allele frequency attached by ClinVar (database versions not stated): ESP Exome Variant Server 0.00008; ExAC 0.00009; gnomAD exomes 0.00012; TOPMed 0.00014; gnomAD 0.00016 and 0.00017.
gnomAD v4.1: 203 of 1,614,058 alleles (0.013%); highest among the groups gnomAD compares: South Asian, 0.019%; no homozygotes.

Submissions (3):

Labcorp Genetics (formerly Invitae), Labcorp
Classification: Uncertain significance. Last evaluated: 2022-09-19. Review status: criteria provided, single submitter. Criteria: Invitae Variant Classification Sherloc (09022015). Collection method: clinical testing. Allele origin: germline.
Comment: This sequence change replaces aspartic acid, which is acidic and polar, with asparagine, which is neutral and polar, at codon 439 of the IFNAR2 protein (p.Asp439Asn). This variant is present in population databases (rs149040664, gnomAD 0.03%). This variant has not been reported in the literature in individuals affected with IFNAR2-related conditions. ClinVar contains an entry for this variant (Variation ID: 1285080). Algorithms developed to predict the effect of missense changes on protein structure and function are either unavailable or do not agree on the potential impact of this missense change (SIFT: "Tolerated"; PolyPhen-2: "Possibly Damaging"; Align-GVGD: "Class C0"). In summary, the available evidence is currently insufficient to determine the role of this variant in disease. Therefore, it has been classified as a Variant of Uncertain Significance.

Clinical Genetics DNA and cytogenetics Diagnostics Lab, Erasmus MC, Erasmus Medical Center
Classification: Likely benign. Review status: no assertion criteria provided. Collection method: clinical testing. Allele origin: germline. Affected: yes. Study: VKGL Data-share Consensus. Not counted in ClinVar's aggregate classification.

Genome Diagnostics Laboratory, University Medical Center Utrecht
Classification: Likely benign. Review status: no assertion criteria provided. Collection method: clinical testing. Allele origin: germline. Affected: yes. Study: VKGL Data-share Consensus. Not counted in ClinVar's aggregate classification.